The following is an entry in ClinVar:

ClinVar aggregate classification (germline): Benign/Likely benign. Review status: criteria provided, multiple submitters, no conflicts (2 of 4 stars). 6 submissions from 6 submitters: Benign (1); Likely benign (5). Last evaluated 2026-03-01.

Conditions:
Inborn genetic diseases. Identifiers: MedGen C0950123, MeSH D030342.
Multiple congenital anomalies-hypotonia-seizures syndrome 1 (MCAHS1). Also called: GLYCOSYLPHOSPHATIDYLINOSITOL BIOSYNTHESIS DEFECT 3; PIGN-CDG; Congenital disorder of glycosylation due to PIGN deficiency. Identifiers: Orphanet 280633, MedGen C3279775, MONDO:0013563, OMIM 614080.

Allele frequency attached by ClinVar (database versions not stated): ExAC 0.00017; gnomAD exomes 0.00018; gnomAD 0.00019; ESP Exome Variant Server 0.00025; TOPMed 0.00053.
gnomAD v4.1: 147 of 1,540,026 alleles (0.0095%); highest among the groups gnomAD compares: African/African-American, 0.14%; no homozygotes.

Submissions (6):

CeGaT Center for Human Genetics Tuebingen
Classification: Likely benign. Last evaluated: 2026-03-01. Review status: criteria provided, single submitter. Criteria: CeGaT Center For Human Genetics Tuebingen Variant Classification Criteria Version 2. Collection method: clinical testing. Allele origin: germline. Affected: yes. Observed: 2 variant alleles.
Comment: PIGN: BP4, BP7

Labcorp Genetics (formerly Invitae), Labcorp
Classification: Likely benign for Multiple congenital anomalies-hypotonia-seizures syndrome 1. Last evaluated: 2026-01-28. Review status: criteria provided, single submitter. Criteria: Invitae Variant Classification Sherloc (09022015). Collection method: clinical testing. Allele origin: germline.

Mayo Clinic Laboratories, Mayo Clinic
Classification: Likely benign. Last evaluated: 2025-11-23. Review status: criteria provided, single submitter. Criteria: ACMG Guidelines, 2015. Collection method: clinical testing. Allele origin: germline. Observed: 1 variant allele.
Comment: BS1, BP4, BP7

ARUP Laboratories, Molecular Genetics and Genomics, ARUP Laboratories
Classification: Benign for Multiple congenital anomalies-hypotonia-seizures syndrome 1. Last evaluated: 2024-11-14. Review status: criteria provided, single submitter. Criteria: ARUP Molecular Germline Variant Investigation Process 2024. Collection method: clinical testing. Allele origin: germline.

GeneDx
Classification: Likely benign. Last evaluated: 2020-03-09. Review status: criteria provided, single submitter. Criteria: GeneDx Variant Classification Process June 2021. Collection method: clinical testing. Allele origin: germline. Affected: yes.

Ambry Genetics
Classification: Likely benign for Inborn genetic diseases. Last evaluated: 2019-11-04. Review status: criteria provided, single submitter. Criteria: Ambry Variant Classification Scheme 2023. Collection method: clinical testing. Allele origin: germline.

NM_176787.5(PIGN):c.459C>T (p.His153=)

Gene: PIGN (phosphatidylinositol glycan anchor biosynthesis class N; minus strand). Cytogenetic location: 18q21.33.
Variant type: single nucleotide variant.
Coding change: c.459C>T on transcript NM_176787.5 (MANE Select); coding-DNA position 459, C replaced by T.
Protein change: p.His153=; no amino-acid change (histidine 153 retained).
Molecular consequence: synonymous variant.
Genome position (GRCh38, 1-based): chr18:62,154,635, G>A on the plus strand (C>T on the coding strand, the complement: PIGN is on the minus strand). VCF-style: chr18-62154635-G-A. GRCh37 (hg19) VCF-style: chr18-59821868-G-A.
Other names: p.His153=; c.459C>T, p.His153= (NM_012327.6).
Identifiers: ClinVar variation 472231 (VCV000472231.41), dbSNP rs376615257, ClinGen allele CA8982579.